The following is an entry in ClinVar:

ClinVar aggregate classification (germline): Uncertain significance (1 of 4 stars; one submission).

Submission:

GeneDx
Classification: Uncertain significance. Last evaluated: 2024-06-21. Review status: criteria provided, single submitter. Criteria: GeneDx Variant Classification Process June 2021. Collection method: clinical testing. Allele origin: germline. Affected: yes.
Comment: Not observed at significant frequency in large population cohorts (gnomAD); In silico analysis supports that this missense variant has a deleterious effect on protein structure/function; Has not been previously published as pathogenic or benign to our knowledge

NM_182641.4(BPTF):c.1118C>T (p.Thr373Ile)

Gene: BPTF (bromodomain PHD finger transcription factor; plus strand). Cytogenetic location: 17q24.2.
Variant type: single nucleotide variant.
Coding change: c.1118C>T on transcript NM_182641.4 (MANE Select); coding-DNA position 1118, C replaced by T.
Protein change: p.Thr373Ile; replaces threonine 373 with isoleucine.
Molecular consequence: missense variant.
Genome position (GRCh38, 1-based): chr17:67,854,444, C>T. VCF-style: chr17-67854444-C-T. GRCh37 (hg19) VCF-style: chr17-65850560-C-T.
Other names: c.1118C>T, p.Thr373Ile (NM_004459.7); short protein forms T373I.
Identifiers: ClinVar variation 3391741 (VCV003391741.1).
Genomic context (GRCh38, chr17:67,854,444, plus strand): 5'-CATATGGACCAGTAGAGAACAAGATCAAAGTTCTACAGTTTCTAGTCGATCAGTTTCTTA[C>T]AACAAATATTGCTCGAGAGGAATTGATGTCTGAAGGGGTGATACAGTATGATGACCATTG-3'
Protein context (NP_872579.2, residues 363-383): VLQFLVDQFL[Thr373Ile]TNIAREELMS